The following is an entry in ClinVar:

ClinVar aggregate classification (germline): Conflicting classifications of pathogenicity. Review status: criteria provided, conflicting classifications (1 of 4 stars). 3 submissions from 3 submitters: Uncertain significance (1); Benign (1); Likely benign (1). Last evaluated 2026-03-02.

Submissions (3):

Women's Health and Genetics/Laboratory Corporation of America, LabCorp
Classification: Benign. Last evaluated: 2026-03-02. Review status: criteria provided, single submitter. Criteria: LabCorp Variant Classification Summary - May 2015. Collection method: clinical testing. Allele origin: germline.
Comment: Variant summary: RAD51 c.896+6delG alters a non-conserved nucleotide located close to a canonical splice site and therefore could affect mRNA splicing, leading to a significantly altered protein sequence. Consensus agreement among computation tools predict no significant impact on normal splicing. However, these predictions have yet to be confirmed by functional studies. The variant allele was found at a frequency of 4e-05 in 251430 control chromosomes. The observed variant frequency exceeds the estimated maximal expected allele frequency for disease-causing variants in RAD51. c.896+6delG has been observed in at least one individual affected with Breast Cancer, without strong evidence of causality (example: Le Calvez-Kelm_2012). This report does not provide unequivocal conclusions about association of the variant with Breast Cancer. To our knowledge, no experimental evidence demonstrating an impact on protein function has been reported. The following publication has been ascertained in the context of this evaluation (PMID: 23300655). ClinVar contains an entry for this variant (Variation ID: 1337919). Based on the evidence outlined above, the variant was classified as benign.

Labcorp Genetics (formerly Invitae), Labcorp
Classification: Uncertain significance. Last evaluated: 2024-09-20. Review status: criteria provided, single submitter. Criteria: Invitae Variant Classification Sherloc (09022015). Collection method: clinical testing. Allele origin: germline.
Comment: This sequence change falls in intron 9 of the RAD51 gene. It does not directly change the encoded amino acid sequence of the RAD51 protein. It affects a nucleotide within the consensus splice site. This variant is present in population databases (rs544409089, gnomAD 0.07%), and has an allele count higher than expected for a pathogenic variant. This variant has not been reported in the literature in individuals affected with RAD51-related conditions. ClinVar contains an entry for this variant (Variation ID: 1337919). Variants that disrupt the consensus splice site are a relatively common cause of aberrant splicing (PMID: 17576681, 9536098). Algorithms developed to predict the effect of sequence changes on RNA splicing suggest that this variant is not likely to affect RNA splicing. In summary, the available evidence is currently insufficient to determine the role of this variant in disease. Therefore, it has been classified as a Variant of Uncertain Significance.

Genetic Services Laboratory, University of Chicago
Classification: Likely benign. Last evaluated: 2021-04-27. Review status: criteria provided, single submitter. Criteria: ACMG Guidelines, 2015. Collection method: clinical testing. Allele origin: germline. Affected: no.

Literature cited by the submitters: PubMed 23300655 (cited by Women's Health and Genetics/Laboratory Corporation of America, LabCorp); PubMed 17576681 (cited by Labcorp Genetics (formerly Invitae), Labcorp); PubMed 9536098 (cited by Labcorp Genetics (formerly Invitae), Labcorp).

NM_002875.5(RAD51):c.896+6del

Gene: RAD51 (RAD51 recombinase; plus strand). Cytogenetic location: 15q15.1.
Variant type: Deletion.
Coding change: c.896+6del on transcript NM_002875.5 (MANE Select); 6 bases into the intron after coding-DNA position 896, one base deleted (G; older notation c.896+6delG).
Molecular consequence: intron variant.
Genome position (GRCh38, 1-based): chr15:40,729,980, G deleted; the last of 2 consecutive G bases (chr15:40,729,979-40,729,980); deleting either gives the same sequence. VCF-style (leftmost placement, unchanged base first): chr15-40729978-AG-A. GRCh37 (hg19) VCF-style: chr15-41022176-AG-A.
Other names: c.899+6del (NM_133487.4, NM_001164269.2); c.774+346del (NM_001164270.2); c.896+6delG (NM_002875.5).
Identifiers: ClinVar variation 1337919 (VCV001337919.8), dbSNP rs544409089, ClinGen allele CA7484135.
Genomic context (GRCh38, chr15:40,729,978, plus strand): 5'-TGCTGATCCCAAAAAACCTATTGGAGGAAATATCATCGCCCATGCATCAACAACCAGGTA[AG>A]GTGTTGATGGGATCAGTTCTTCTTTTCGGAATGTCATATTAACTGTGAAGACATGAAGAT-3'